The following is an entry in ClinVar:

ClinVar aggregate classification (germline): Uncertain significance (1 of 4 stars; one submission).

Conditions:
Pitt-Hopkins-like syndrome 2 (PTHSL2). Identifiers: Orphanet 221150, Orphanet 600663, MedGen C3280479, MONDO:0013690, OMIM 614325.

Submission:

Labcorp Genetics (formerly Invitae), Labcorp
Classification: Uncertain significance for Pitt-Hopkins-like syndrome 2. Last evaluated: 2024-03-07. Review status: criteria provided, single submitter. Criteria: Invitae Variant Classification Sherloc (09022015). Collection method: clinical testing. Allele origin: germline.
Comment: This sequence change replaces proline, which is neutral and non-polar, with serine, which is neutral and polar, at codon 501 of the NRXN1 protein (p.Pro501Ser). This variant is not present in population databases (gnomAD no frequency). This variant has not been reported in the literature in individuals affected with NRXN1-related conditions. An algorithm developed to predict the effect of missense changes on protein structure and function (PolyPhen-2) suggests that this variant is likely to be disruptive. In summary, the available evidence is currently insufficient to determine the role of this variant in disease. Therefore, it has been classified as a Variant of Uncertain Significance.

NM_001330078.2(NRXN1):c.1381C>T (p.Pro461Ser)

Gene: NRXN1 (neurexin 1; minus strand). Cytogenetic location: 2p16.3.
Variant type: single nucleotide variant.
Coding change: c.1381C>T on transcript NM_001330078.2 (MANE Select); coding-DNA position 1381, C replaced by T.
Protein change: p.Pro461Ser; replaces proline 461 with serine.
Molecular consequence: missense variant.
Genome position (GRCh38, 1-based): chr2:50,552,965, G>A on the plus strand (C>T on the coding strand, the complement: NRXN1 is on the minus strand). VCF-style: chr2-50552965-G-A. GRCh37 (hg19) VCF-style: chr2-50780103-G-A.
Other names: c.1369C>T, p.Pro457Ser (NM_001330094.2); c.1357C>T, p.Pro453Ser (NM_001330095.2, NM_001330077.2, NM_001330082.2); c.1297C>T, p.Pro433Ser (NM_001330096.2, NM_001330087.2); c.1381C>T, p.Pro461Ser (NM_004801.6, NM_001330085.2, NM_001330086.2); c.1327C>T, p.Pro443Ser (NM_001330088.2); c.1378C>T, p.Pro460Ser (NM_001330093.2); c.1501C>T, p.Pro501Ser (NM_001135659.3); c.1342C>T, p.Pro448Ser (NM_001330083.2, NM_001330084.2); short protein forms P443S, P461S, P433S, P448S, P457S, P453S, P460S, P501S.
Identifiers: ClinVar variation 3730077 (VCV003730077.2).